The following is an entry in ClinVar:

NM_022828.5(YTHDC2):c.1899C>T (p.Asp633=)

Gene: YTHDC2 (YTH N6-methyladenosine RNA binding protein C2; plus strand). Cytogenetic location: 5q22.2.
Variant type: single nucleotide variant.
Coding change: c.1899C>T on transcript NM_022828.5 (MANE Select); coding-DNA position 1899, C replaced by T.
Protein change: p.Asp633=; no amino-acid change (aspartic acid 633 retained).
Molecular consequence: synonymous variant.
Genome position (GRCh38, 1-based): chr5:113,553,621, C>T. VCF-style: chr5-113553621-C-T. GRCh37 (hg19) VCF-style: chr5-112889318-C-T.
Other names: c.1413C>T, p.Asp471= (NM_001345975.2); c.999C>T, p.Asp333= (NM_001345976.2).
Identifiers: ClinVar variation 3041384 (VCV003041384.2), dbSNP rs183270517, ClinGen allele CA3371969.

ClinVar aggregate classification (germline): Benign (0 of 4 stars; one submission).

Conditions:
YTHDC2-related disorder. Also called: YTHDC2-related condition.

Allele frequency attached by ClinVar (database versions not stated): TOPMed 0.00018; gnomAD 0.00065; gnomAD exomes 0.00115; ExAC 0.00275; 1000 Genomes Project 30x 0.00344; 1000 Genomes Project 0.00379.
gnomAD v4.1: 1,790 of 1,613,344 alleles (0.11%); highest among the groups gnomAD compares: South Asian, 1.8%; 27 homozygotes.

Submission:

PreventionGenetics, part of Exact Sciences
Classification: Benign for YTHDC2-related condition. Last evaluated: 2019-05-10. Review status: no assertion criteria provided. Collection method: clinical testing. Allele origin: germline.
Comment: This variant is classified as benign based on ACMG/AMP sequence variant interpretation guidelines (Richards et al. 2015 PMID: 25741868, with internal and published modifications).